The following is an entry in ClinVar:

ClinVar aggregate classification (germline): Uncertain significance (1 of 4 stars; one submission).

Conditions:
Complement component 3 deficiency. Identifiers: Orphanet 280133, MedGen C3151071, MONDO:0013417, OMIM 613779.
C3 glomerulonephritis. Also called: Nephropathy due to CFHR5 Deficiency; C3 GLOMERULOPATHY 3. Identifiers: Orphanet 329931, MedGen C4055342, MONDO:0013892, OMIM 614809.
Atypical hemolytic-uremic syndrome. Identifiers: Orphanet 2134, MedGen C2931788, MONDO:0016244.

Submission:

Genomenon, Inc
Classification: Uncertain significance for Complement component 3 deficiency; C3 glomerulonephritis; Atypical hemolytic-uremic syndrome. Last evaluated: 2025-09-30. Review status: criteria provided, single submitter. Criteria: Genomenon Sequence Variant Interpretation Standards. Collection method: curation. Allele origin: germline. Affected: no.
Comment: C3 p.Glu753Gln (c.2257G>C) is a missense variant that changes the amino acid at residue 753 from Glutamic acid to Glutamine. This variant has been reported in the published literature (PMID:9988761). It is absent or not present at a significant frequency in gnomAD. In silico models agree that this variant is not damaging. In conclusion, we classify C3 p.Glu753Gln (c.2257G>C) as a variant of unknown significance.

Literature cited by the submitters: PubMed 9988761.

NM_000064.4(C3):c.2257G>C (p.Glu753Gln)

Gene: C3 (complement C3; minus strand). Cytogenetic location: 19p13.3.
Variant type: single nucleotide variant.
Coding change: c.2257G>C on transcript NM_000064.4 (MANE Select); coding-DNA position 2257, G replaced by C.
Protein change: p.Glu753Gln; replaces glutamic acid 753 with glutamine.
Molecular consequence: missense variant.
Genome position (GRCh38, 1-based): chr19:6,702,568, C>G on the plus strand (G>C on the coding strand, the complement: C3 is on the minus strand). VCF-style: chr19-6702568-C-G. GRCh37 (hg19) VCF-style: chr19-6702579-C-G.
Other names: short protein forms E753Q.
Identifiers: ClinVar variation 4280154 (VCV004280154.1).